The following is an entry in ClinVar:

NM_024422.6(DSC2):c.2450A>G (p.Asp817Gly)

Gene: DSC2 (desmocollin 2; minus strand). Cytogenetic location: 18q12.1.
Variant type: single nucleotide variant.
Coding change: c.2450A>G on transcript NM_024422.6 (MANE Select); coding-DNA position 2450, A replaced by G.
Protein change: p.Asp817Gly; replaces aspartic acid 817 with glycine.
Molecular consequence: missense variant.
Genome position (GRCh38, 1-based): chr18:31,068,952, T>C on the plus strand (A>G on the coding strand, the complement: DSC2 is on the minus strand). VCF-style: chr18-31068952-T-C. GRCh37 (hg19) VCF-style: chr18-28648918-T-C.
Other names: c.2021A>G, p.Asp674Gly (NM_001406506.1, NM_001406507.1); c.2450A>G, p.Asp817Gly (NM_004949.5); short protein forms D674G, D817G.
Identifiers: ClinVar variation 3894091 (VCV003894091.1).
Genomic context (GRCh38, chr18:31,068,952, plus strand): 5'-ACTTCACCAAGACGGGGCTGAGTAAAACTGTGCCACTCCGAGTAAGTGTATCTGCAGTTG[T>C]CCACCTCCGTGTGTCCTCCCCTGCAGGAGTCCAGGGTGTGATGGTGGCCAGCCCCCCGGC-3'
Protein context (NP_077740.1, residues 807-827): DSCRGGHTEV[Asp817Gly]NCRYTYSEWH

ClinVar aggregate classification (germline): Uncertain significance (1 of 4 stars; one submission).

Conditions:
Cardiomyopathy (CMYO). Also called: Cardiomyopathies. Identifiers: Orphanet 167848, MedGen C0878544, MONDO:0004994, HP:0001638. Inheritance: Various modes of inheritance.

Submission:

Color Diagnostics, LLC DBA Color Health
Classification: Uncertain significance for Cardiomyopathy. Last evaluated: 2024-10-28. Review status: criteria provided, single submitter. Criteria: ACMG Guidelines, 2015. Collection method: clinical testing. Allele origin: germline.
Comment: This missense variant replaces aspartic acid with glycine at codon 817 of the DSC2 protein. Computational prediction is inconclusive regarding the impact of this variant on protein structure and function (internally defined REVEL score threshold 0.5 < inconclusive < 0.7, PMID: 27666373). To our knowledge, functional studies have not been reported for this variant. This variant has not been reported in individuals affected with DSC2-related disorders in the literature. This variant has not been identified in the general population by the Genome Aggregation Database (gnomAD). The available evidence is insufficient to determine the role of this variant in disease conclusively. Therefore, this variant is classified as a Variant of Uncertain Significance.